The following is an entry in ClinVar:

NM_000487.6(ARSA):c.1264_1265del (p.Leu422fs)

Gene: ARSA (arylsulfatase A; minus strand). Cytogenetic location: 22q13.33.
Variant type: Microsatellite.
Coding change: c.1264_1265del on transcript NM_000487.6 (MANE Select); coding-DNA positions 1264 to 1265, 2 bases deleted (CT; older notation c.1264_1265delCT).
Protein change: p.Leu422fs; shifts the reading frame from leucine 422.
Molecular consequence: frameshift variant.
Genome position (GRCh38, 1-based): chr22:50,625,410-50,625,411, AG deleted on the plus strand (CT on the coding strand, the reverse complement: ARSA is on the minus strand); deleting any 2 consecutive bases within chr22:50,625,410-50,625,415 gives the same sequence; the c. name uses the placement nearest the transcript's 3' end. VCF-style (leftmost placement, unchanged base first): chr22-50625409-CAG-C. GRCh37 (hg19) VCF-style: chr22-51063837-CAG-C.
Other names: c.1264_1265del, p.Leu422fs (NM_001085425.3, NM_001085426.3, NM_001085427.3); c.1006_1007del, p.Leu336fs (NM_001085428.3, NM_001362782.2); short protein forms L336fs, L422fs.
Identifiers: ClinVar variation 2780790 (VCV002780790.3), dbSNP rs2518322494, ClinGen allele CA2657590928.
Genomic context (GRCh38, chr22:50,625,409, plus strand): 5'-GTTGTAGTTCTCACCAGGGTCCTTGGACAGGTCATAGAGCAGCGGGGGCTCATGAGCAGT[CAG>C]AGAGCTGGAGGCGTGGCAGGCAGGGTCTGCAGTGGTATCACTGTGGGCAGAGCCTGGGGA-3'

ClinVar aggregate classification (germline): Pathogenic (1 of 4 stars; one submission).

Conditions:
Metachromatic leukodystrophy (MLD). Also called: SULFATIDE LIPIDOSIS; ARSA DEFICIENCY; CEREBROSIDE SULFATASE DEFICIENCY; METACHROMATIC LEUKOENCEPHALOPATHY; Cerebral sclerosis diffuse metachromatic form; Arylsulfatase A Deficiency. Identifiers: Orphanet 512, MedGen C0023522, MONDO:0018868, OMIM 250100.

Submission:

Labcorp Genetics (formerly Invitae), Labcorp
Classification: Pathogenic for Metachromatic leukodystrophy. Last evaluated: 2023-07-17. Review status: criteria provided, single submitter. Criteria: Invitae Variant Classification Sherloc (09022015). Collection method: clinical testing. Allele origin: germline.
Comment: This variant disrupts a region of the ARSA protein in which other variant(s) (p.Cys491Gly) have been determined to be pathogenic (PMID: 15026521; Invitae). This suggests that this is a clinically significant region of the protein, and that variants that disrupt it are likely to be disease-causing. For these reasons, this variant has been classified as Pathogenic. This variant has not been reported in the literature in individuals affected with ARSA-related conditions. This sequence change creates a premature translational stop signal (p.Leu422Aspfs*4) in the ARSA gene. While this is not anticipated to result in nonsense mediated decay, it is expected to disrupt the last 88 amino acid(s) of the ARSA protein. This variant is not present in population databases (gnomAD no frequency).

Literature cited by the submitters: PubMed 15026521.